The following is an entry in ClinVar:

NM_014363.6(SACS):c.4744G>C (p.Asp1582His)

Gene: SACS (sacsin molecular chaperone; minus strand). Cytogenetic location: 13q12.12.
Variant type: single nucleotide variant.
Coding change: c.4744G>C on transcript NM_014363.6 (MANE Select); coding-DNA position 4744, G replaced by C.
Protein change: p.Asp1582His; replaces aspartic acid 1582 with histidine.
Molecular consequence: missense variant.
Genome position (GRCh38, 1-based): chr13:23,339,132, C>G on the plus strand (G>C on the coding strand, the complement: SACS is on the minus strand). VCF-style: chr13-23339132-C-G. GRCh37 (hg19) VCF-style: chr13-23913271-C-G.
Other names: c.4303G>C, p.Asp1435His (NM_001278055.2); short protein forms D1582H, D1435H.
Identifiers: ClinVar variation 2694696 (VCV002694696.4), dbSNP rs1160357920, ClinGen allele CA387527869.
Genomic context (GRCh38, chr13:23,339,132, plus strand): 5'-TTTTGATCCCAGGATTGGATTTGTCTTTAATGTGTTTACTGATATGATTTATGTTTGGAT[C>G]GAACATTATCATGAATTCCCGACTCATAATGATGGGAATGTCAGTGATATGGTACACAGA-3'
Protein context (NP_055178.3, residues 1572-1592): IMSREFMIMF[Asp1582His]PNINHISKHI

ClinVar aggregate classification (germline): Likely pathogenic. Review status: criteria provided, multiple submitters, no conflicts (2 of 4 stars). 2 submissions from 2 submitters: Likely pathogenic (2). Last evaluated 2023-11-10.

Conditions:
Charlevoix-Saguenay spastic ataxia (SACS). Also called: SPASTIC ATAXIA 6, AUTOSOMAL RECESSIVE; AUTOSOMAL RECESSIVE SPASTIC ATAXIA OF CHARLEVOIX-SAGUENAY; Spastic ataxia of Charlevoix-Saguenay. Identifiers: Orphanet 98, MedGen C1849140, MONDO:0010041, OMIM 270550.
Spastic paraplegia. Identifiers: MedGen C0037772, HP:0001258.

Submissions (2):

Labcorp Genetics (formerly Invitae), Labcorp
Classification: Likely pathogenic for Spastic paraplegia. Last evaluated: 2023-11-10. Review status: criteria provided, single submitter. Criteria: Invitae Variant Classification Sherloc (09022015). Collection method: clinical testing. Allele origin: germline.
Comment: This sequence change replaces aspartic acid, which is acidic and polar, with histidine, which is basic and polar, at codon 1582 of the SACS protein (p.Asp1582His). This variant is not present in population databases (gnomAD no frequency). This variant has not been reported in the literature in individuals affected with SACS-related conditions. Advanced modeling of protein sequence and biophysical properties (such as structural, functional, and spatial information, amino acid conservation, physicochemical variation, residue mobility, and thermodynamic stability) performed at Invitae indicates that this missense variant is expected to disrupt SACS protein function with a positive predictive value of 95%. This variant disrupts the p.Asp1582 amino acid residue in SACS. Other variant(s) that disrupt this residue have been determined to be pathogenic (PMID: 23250129). This suggests that this residue is clinically significant, and that variants that disrupt this residue are likely to be disease-causing. In summary, the currently available evidence indicates that the variant is pathogenic, but additional data are needed to prove that conclusively. Therefore, this variant has been classified as Likely Pathogenic.

PROSPAX: an integrated multimodal progression  chart in spastic ataxias, Center for Neurology; Hertie-Institute for Clinical Brain Research
Classification: Likely pathogenic for Charlevoix-Saguenay spastic ataxia. Last evaluated: 2022-01-01. Review status: criteria provided, single submitter. Criteria: ACMG Guidelines, 2015. Collection method: research. Allele origin: germline. Affected: yes. Observed: 2 variant alleles, 2 compound heterozygotes.

Literature cited by the submitters: PubMed 23250129 (cited by Labcorp Genetics (formerly Invitae), Labcorp).